The following is an entry in ClinVar:

ClinVar aggregate classification (germline): Uncertain significance (1 of 4 stars; one submission).

Conditions:
Ataxia-telangiectasia syndrome (AT). Also called: Ataxia-telangiectasia; LOUIS-BAR SYNDROME; Ataxia-telangiectasia, complementation group D; AT, COMPLEMENTATION GROUP C; ATAXIA-TELANGIECTASIA, COMPLEMENTATION GROUP A; ATAXIA-TELANGIECTASIA, FRESNO VARIANT. Identifiers: Orphanet 100, MedGen C0004135, MONDO:0008840, OMIM 208900.

Submission:

Labcorp Genetics (formerly Invitae), Labcorp
Classification: Uncertain significance for Ataxia-telangiectasia syndrome. Last evaluated: 2021-11-08. Review status: criteria provided, single submitter. Criteria: Invitae Variant Classification Sherloc (09022015). Collection method: clinical testing. Allele origin: germline.
Comment: In summary, the available evidence is currently insufficient to determine the role of this variant in disease. Therefore, it has been classified as a Variant of Uncertain Significance. This sequence change replaces asparagine, which is neutral and polar, with aspartic acid, which is acidic and polar, at codon 2070 of the ATM protein (p.Asn2070Asp). This variant is not present in population databases (gnomAD no frequency). This variant has not been reported in the literature in individuals affected with ATM-related conditions. Advanced modeling of protein sequence and biophysical properties (such as structural, functional, and spatial information, amino acid conservation, physicochemical variation, residue mobility, and thermodynamic stability) performed at Invitae indicates that this missense variant is not expected to disrupt ATM protein function.

NM_000051.4(ATM):c.6208A>G (p.Asn2070Asp)

Genes: ATM (ATM serine/threonine kinase; plus strand), C11orf65 (chromosome 11 open reading frame 65; minus strand). Cytogenetic location: 11q22.3.
Variant type: single nucleotide variant.
Coding change: c.6208A>G on transcript NM_000051.4 (MANE Select); coding-DNA position 6208, A replaced by G.
Protein change: p.Asn2070Asp; replaces asparagine 2070 with aspartic acid.
Molecular consequence: missense variant. On other transcripts: intron variant (2).
Genome position (GRCh38, 1-based): chr11:108,317,382, A>G. VCF-style: chr11-108317382-A-G. GRCh37 (hg19) VCF-style: chr11-108188109-A-G.
Other names: c.6208A>G, p.Asn2070Asp (NM_001351834.2); c.641-8311T>C (NM_001330368.2); c.*39-8311T>C (NM_001351110.2); short protein forms N2070D.
Identifiers: ClinVar variation 1350221 (VCV001350221.7), dbSNP rs2136162879, ClinGen allele CA382551057.